The following is an entry in ClinVar:

NM_000203.5(IDUA):c.1135G>A (p.Val379Met)

Gene: IDUA (alpha-L-iduronidase; plus strand). Cytogenetic location: 4p16.3.
Variant type: single nucleotide variant.
Coding change: c.1135G>A on transcript NM_000203.5 (MANE Select); coding-DNA position 1135, G replaced by A.
Protein change: p.Val379Met; replaces valine 379 with methionine.
Molecular consequence: missense variant. On other transcripts: non-coding transcript variant (1).
Genome position (GRCh38, 1-based): chr4:1,002,431, G>A. VCF-style: chr4-1002431-G-A. GRCh37 (hg19) VCF-style: chr4-996219-G-A.
Other names: c.739G>A, p.Val247Met (NM_001363576.1); short protein forms V247M, V379M.
Identifiers: ClinVar variation 2432775 (VCV002432775.5), dbSNP rs1271868719, ClinGen allele CA355963400.
Genomic context (GRCh38, chr4:1,002,431, plus strand): 5'-CCCTTCGCGCAGCGCACGCTCACCGCGCGCTTCCAGGTCAACAACACCCGCCCGCCGCAC[G>A]TGCAGCTGTTGCGCAAGCCGGTGCTCACGGCCATGGGGCTGCTGGCGCTGCTGGGTGAGC-3'
Protein context (NP_000194.2, residues 369-389): FQVNNTRPPH[Val379Met]QLLRKPVLTA

ClinVar aggregate classification (germline): Uncertain significance. Review status: criteria provided, multiple submitters, no conflicts (2 of 4 stars). 2 submissions from 2 submitters: Uncertain significance (2). Last evaluated 2025-03-17.

Conditions:
Mucopolysaccharidosis type 1. Also called: IDUA deficiency; MPS I; Mucopolysaccharidosis Type I. Identifiers: Orphanet 579, MedGen C0023786, MONDO:0001586.

Allele frequency attached by ClinVar (database versions not stated): TOPMed below 0.00001.

Submissions (2):

Labcorp Genetics (formerly Invitae), Labcorp
Classification: Uncertain significance for Mucopolysaccharidosis type 1. Last evaluated: 2025-03-17. Review status: criteria provided, single submitter. Criteria: Invitae Variant Classification Sherloc (09022015). Collection method: clinical testing. Allele origin: germline.
Comment: This sequence change replaces valine, which is neutral and non-polar, with methionine, which is neutral and non-polar, at codon 379 of the IDUA protein (p.Val379Met). This variant is not present in population databases (gnomAD no frequency). This variant has not been reported in the literature in individuals affected with IDUA-related conditions. ClinVar contains an entry for this variant (Variation ID: 2432775). Invitae Evidence Modeling of protein sequence and biophysical properties (such as structural, functional, and spatial information, amino acid conservation, physicochemical variation, residue mobility, and thermodynamic stability) indicates that this missense variant is expected to disrupt IDUA protein function with a positive predictive value of 95%. In summary, the available evidence is currently insufficient to determine the role of this variant in disease. Therefore, it has been classified as a Variant of Uncertain Significance.

Revvity Omics, Revvity
Classification: Uncertain significance. Last evaluated: 2024-09-09. Review status: criteria provided, single submitter. Criteria: ACMG Guidelines, 2015. Collection method: clinical testing. Allele origin: germline.